The following is an entry in ClinVar:

NM_177438.3(DICER1):c.884C>T (p.Ser295Phe)

Gene: DICER1 (dicer 1, ribonuclease III; minus strand). Cytogenetic location: 14q32.13.
Variant type: single nucleotide variant.
Coding change: c.884C>T on transcript NM_177438.3 (MANE Select); coding-DNA position 884, C replaced by T.
Protein change: p.Ser295Phe; replaces serine 295 with phenylalanine.
Molecular consequence: missense variant.
Genome position (GRCh38, 1-based): chr14:95,126,599, G>A on the plus strand (C>T on the coding strand, the complement: DICER1 is on the minus strand). VCF-style: chr14-95126599-G-A. GRCh37 (hg19) VCF-style: chr14-95592936-G-A.
Other names: c.884C>T, p.Ser295Phe (NM_001195573.1, NM_001271282.3, NM_001291628.2 and 1 more transcripts); short protein forms S295F.
Identifiers: ClinVar variation 1372026 (VCV001372026.9), dbSNP rs548231008, ClinGen allele CA390887455.

ClinVar aggregate classification (germline): Uncertain significance (1 of 4 stars; one submission).

Conditions:
DICER1-related tumor predisposition. Also called: DICER1-related pleuropulmonary blastoma cancer predisposition syndrome; DICER1 syndrome. Identifiers: Orphanet 284343, MedGen C3839822, MONDO:0100216.

gnomAD v4.1: 1 of 1,534,534 alleles (0.000065%); highest among the groups gnomAD compares: East Asian, 0.0023%; no homozygotes.

Submission:

Labcorp Genetics (formerly Invitae), Labcorp
Classification: Uncertain significance for DICER1-related tumor predisposition. Last evaluated: 2024-02-27. Review status: criteria provided, single submitter. Criteria: Invitae Variant Classification Sherloc (09022015). Collection method: clinical testing. Allele origin: germline.
Comment: This sequence change replaces serine, which is neutral and polar, with phenylalanine, which is neutral and non-polar, at codon 295 of the DICER1 protein (p.Ser295Phe). This variant is not present in population databases (gnomAD no frequency). This variant has not been reported in the literature in individuals affected with DICER1-related conditions. ClinVar contains an entry for this variant (Variation ID: 1372026). Advanced modeling of protein sequence and biophysical properties (such as structural, functional, and spatial information, amino acid conservation, physicochemical variation, residue mobility, and thermodynamic stability) performed at Invitae indicates that this missense variant is not expected to disrupt DICER1 protein function with a negative predictive value of 80%. In summary, the available evidence is currently insufficient to determine the role of this variant in disease. Therefore, it has been classified as a Variant of Uncertain Significance.